The following is an entry in ClinVar:

ClinVar aggregate classification (germline): Uncertain significance (1 of 4 stars; one submission).

Allele frequency attached by ClinVar (database versions not stated): gnomAD exomes below 0.00001.
gnomAD v4.1: 6 of 1,614,010 alleles (0.00037%); highest among the groups gnomAD compares: Non-Finnish European, 0.00051%; no homozygotes.

Submission:

GeneDx
Classification: Uncertain significance. Last evaluated: 2021-07-09. Review status: criteria provided, single submitter. Criteria: GeneDx Variant Classification Process June 2021. Collection method: clinical testing. Allele origin: germline. Affected: yes.
Comment: Not observed at significant frequency in large population cohorts (Lek et al., 2016); In silico analysis, which includes protein predictors and evolutionary conservation, supports a deleterious effect; Has not been previously published as pathogenic or benign to our knowledge; This variant is associated with the following publications: (PMID: 27535533)

NM_001374828.1(ARID1B):c.5422G>A (p.Glu1808Lys)

Gene: ARID1B (AT-rich interaction domain 1B; plus strand). Cytogenetic location: 6q25.3.
Variant type: single nucleotide variant.
Coding change: c.5422G>A on transcript NM_001374828.1 (MANE Select); coding-DNA position 5422, G replaced by A.
Protein change: p.Glu1808Lys; replaces glutamic acid 1808 with lysine.
Molecular consequence: missense variant.
Genome position (GRCh38, 1-based): chr6:157,206,194, G>A. VCF-style: chr6-157206194-G-A. GRCh37 (hg19) VCF-style: chr6-157527328-G-A.
Other names: c.5053G>A (NM_020732.3); c.2923G>A, p.Glu975Lys (NM_001363725.2); c.5302G>A, p.Glu1768Lys (NM_001371656.1, NM_001374820.1); c.5263G>A, p.Glu1755Lys (NM_017519.3); short protein forms E1755K, E1768K, E1808K, E975K.
Identifiers: ClinVar variation 1200809 (VCV001200809.3), dbSNP rs1554237014, ClinGen allele CA366245541.